The following is an entry in ClinVar:

ClinVar aggregate classification (germline): Pathogenic. Review status: criteria provided, multiple submitters, no conflicts (2 of 4 stars). 2 submissions from 2 submitters: Pathogenic (2). Last evaluated 2025-09-05.

Conditions:
Familial cancer of breast. Also called: hereditary breast carcinoma; BREAST CANCER, FAMILIAL; Hereditary breast cancer. Identifiers: Orphanet 227535, MedGen C0346153, MONDO:0016419, OMIM 114480. Disease mechanism: loss of function.
Fanconi anemia complementation group J. Also called: BRIP1-Related Fanconi Anemia. Identifiers: Orphanet 84, MedGen C1836860, MONDO:0012187, OMIM 609054.
Hereditary cancer-predisposing syndrome. Also called: Hereditary Cancer Syndrome; Hereditary neoplastic syndrome; Tumor predisposition; Neoplastic Syndromes, Hereditary. Identifiers: Orphanet 140162, MedGen C0027672, MeSH D009386, MONDO:0015356.

Allele frequency attached by ClinVar (database versions not stated): gnomAD exomes below 0.00001.

Submissions (2):

Ambry Genetics
Classification: Pathogenic for Hereditary cancer-predisposing syndrome. Last evaluated: 2025-09-05. Review status: criteria provided, single submitter. Criteria: Ambry Variant Classification Scheme 2023. Collection method: clinical testing. Allele origin: germline.
Comment: The c.2742_2749delAAAGTACA pathogenic mutation, located in coding exon 18 of the BRIP1 gene, results from a deletion of 8 nucleotides at nucleotide positions 2742 to 2749, causing a translational frameshift with a predicted alternate stop codon (p.K915Yfs*21). This variant is considered to be rare based on population cohorts in the Genome Aggregation Database (gnomAD). This alteration is expected to result in loss of function by premature protein truncation or nonsense-mediated mRNA decay. As such, this alteration is interpreted as a disease-causing mutation.

Labcorp Genetics (formerly Invitae), Labcorp
Classification: Pathogenic for Familial cancer of breast; Fanconi anemia complementation group J. Last evaluated: 2024-02-12. Review status: criteria provided, single submitter. Criteria: Invitae Variant Classification Sherloc (09022015). Collection method: clinical testing. Allele origin: germline.
Comment: This sequence change creates a premature translational stop signal (p.Lys915Tyrfs*21) in the BRIP1 gene. It is expected to result in an absent or disrupted protein product. Loss-of-function variants in BRIP1 are known to be pathogenic (PMID: 16116423, 17033622, 21964575). This variant is not present in population databases (gnomAD no frequency). This variant has not been reported in the literature in individuals affected with BRIP1-related conditions. ClinVar contains an entry for this variant (Variation ID: 1459574). For these reasons, this variant has been classified as Pathogenic.

Literature cited by the submitters: PubMed 16116423 (cited by Labcorp Genetics (formerly Invitae), Labcorp); PubMed 17033622 (cited by Labcorp Genetics (formerly Invitae), Labcorp); PubMed 21964575 (cited by Labcorp Genetics (formerly Invitae), Labcorp).

NM_032043.3(BRIP1):c.2742_2749del (p.Lys915fs)

Gene: BRIP1 (BRCA1 interacting DNA helicase 1; minus strand). Cytogenetic location: 17q23.2.
Variant type: Deletion.
Coding change: c.2742_2749del on transcript NM_032043.3 (MANE Select); coding-DNA positions 2742 to 2749, 8 bases deleted (AAAGTACA; older notation c.2742_2749delAAAGTACA).
Protein change: p.Lys915fs; shifts the reading frame from lysine 915.
Molecular consequence: frameshift variant.
Genome position (GRCh38, 1-based): chr17:61,685,992-61,685,999, TGTACTTT deleted on the plus strand (AAAGTACA on the coding strand, the reverse complement: BRIP1 is on the minus strand). VCF-style (leftmost placement, unchanged base first): chr17-61685991-CTGTACTTT-C. GRCh37 (hg19) VCF-style: chr17-59763352-CTGTACTTT-C.
Other names: c.2742_2749delAAAGTACA (NM_032043.2); short protein forms K915fs.
Identifiers: ClinVar variation 1459574 (VCV001459574.8), dbSNP rs2144112699, ClinGen allele CA2573154365.
Genomic context (GRCh38, chr17:61,685,991, plus strand): 5'-TCTTCCACAAAATTTTCTGGTGATAGATGACTTGCTGCTTCCAGTAAATAAGGTGAGGTA[CTGTACTTT>C]AAAGAGGTCACTTCAAGTGTAGACTCATTGTCCTGTATATTGGTTCTGTCCTTTATGGAT-3'